The following is an entry in ClinVar:

NM_001367868.2(PLIN4):c.2298G>A (p.Val766=)

Gene: PLIN4 (perilipin 4; minus strand). Cytogenetic location: 19p13.3.
Variant type: single nucleotide variant.
Coding change: c.2298G>A on transcript NM_001367868.2 (MANE Select); coding-DNA position 2298, G replaced by A.
Protein change: p.Val766=; no amino-acid change (valine 766 retained).
Molecular consequence: synonymous variant.
Genome position (GRCh38, 1-based): chr19:4,511,662, C>T on the plus strand (G>A on the coding strand, the complement: PLIN4 is on the minus strand). VCF-style: chr19-4511662-C-T. GRCh37 (hg19) VCF-style: chr19-4511674-C-T.
Other names: c.2301G>A, p.Val767= (NM_001393888.1, NM_001393889.1); c.2298G>A, p.Val766= (NM_001393890.1, NM_001393891.1).
Identifiers: ClinVar variation 2649044 (VCV002649044.24), dbSNP rs775085816, ClinGen allele CA9100229.
Genomic context (GRCh38, chr19:4,511,662, plus strand): 5'-GTCCATGCCGGTCTGGACAGTCCCTTTGGCCAACTTCACAGCCCCTGTGAGCCCAGTGGA[C>T]ACAGCATCTTTAGTGCCAGTCAGGACAGACTTTGTAGTGTCCAGGCCCCCTTGGATGGCC-3'
Protein context (NP_001354797.1, residues 756-776): KSVLTGTKDA[Val766=]STGLTGAVKL

ClinVar aggregate classification (germline): Likely benign (1 of 4 stars; one submission).

Allele frequency attached by ClinVar (database versions not stated): gnomAD 0.00152.

Submission:

CeGaT Center for Human Genetics Tuebingen
Classification: Likely benign. Last evaluated: 2026-09-01. Review status: criteria provided, single submitter. Criteria: CeGaT Center For Human Genetics Tuebingen Variant Classification Criteria Version 2. Collection method: clinical testing. Allele origin: germline. Affected: yes. Observed: 2 variant alleles.
Comment: PLIN4: BP4, BP7